The following is an entry in ClinVar:

NM_000238.4(KCNH2):c.2196G>T (p.Leu732=)

Gene: KCNH2 (potassium voltage-gated channel subfamily H member 2; minus strand). Cytogenetic location: 7q36.1.
Variant type: single nucleotide variant.
Coding change: c.2196G>T on transcript NM_000238.4 (MANE Select); coding-DNA position 2196, G replaced by T.
Protein change: p.Leu732=; no amino-acid change (leucine 732 retained).
Molecular consequence: synonymous variant. On other transcripts: non-coding transcript variant (2).
Genome position (GRCh38, 1-based): chr7:150,950,370, C>A on the plus strand (G>T on the coding strand, the complement: KCNH2 is on the minus strand). VCF-style: chr7-150950370-C-A. GRCh37 (hg19) VCF-style: chr7-150647458-C-A.
Other names: c.1176G>T, p.Leu392= (NM_001204798.2, NM_172057.3); c.1908G>T, p.Leu636= (NM_001406753.1, NM_001406756.1); c.2019G>T, p.Leu673= (NM_001406755.1); c.1896G>T, p.Leu632= (NM_001406757.1); c.2196G>T, p.Leu732= (NM_172056.3).
Identifiers: ClinVar variation 921194 (VCV000921194.7), dbSNP rs1801094386, ClinGen allele CA458871414.

ClinVar aggregate classification (germline): Likely benign. Review status: criteria provided, multiple submitters, no conflicts (2 of 4 stars). 3 submissions from 3 submitters: Likely benign (3). Last evaluated 2025-02-19.

Conditions:
Cardiac arrhythmia. Also called: Cardiac rhythm disease; Arrhythmia. Identifiers: MedGen C0003811, MONDO:0007263, HP:0011675.
Long QT syndrome (LQTS). Identifiers: MedGen C0023976, MeSH D008133, MONDO:0002442. Disease mechanism: loss of function. Inheritance: Various modes of inheritance.

Allele frequency attached by ClinVar (database versions not stated): gnomAD exomes below 0.00001.
gnomAD v4.1: 1 of 1,612,968 alleles (0.000062%); highest among the groups gnomAD compares: Non-Finnish European, 0.000085%; no homozygotes.

Submissions (3):

Labcorp Genetics (formerly Invitae), Labcorp
Classification: Likely benign for Long QT syndrome. Last evaluated: 2025-02-19. Review status: criteria provided, single submitter. Criteria: Invitae Variant Classification Sherloc (09022015). Collection method: clinical testing. Allele origin: germline.

All of Us Research Program, National Institutes of Health
Classification: Likely benign for Long QT syndrome. Last evaluated: 2023-10-23. Review status: criteria provided, single submitter. Criteria: ACMG Guidelines, 2015. Collection method: clinical testing. Allele origin: germline. Inheritance: Autosomal dominant inheritance. Observed: 1 variant allele, 1 heterozygote.
Comment: This study involves interpretation of variants in research participants for the purpose of population health screening. Participant phenotype was not available at the time of variant classification. Additional details can be found in publication PMID: 35346344, PMCID: PMC8962531

Color Diagnostics, LLC DBA Color Health
Classification: Likely benign for Arrhythmia. Last evaluated: 2019-06-18. Review status: criteria provided, single submitter. Criteria: ACMG Guidelines, 2015. Collection method: clinical testing. Allele origin: germline.